The following is an entry in ClinVar:

NM_025114.4(CEP290):c.5881C>T (p.Gln1961Ter)

Gene: CEP290 (centrosomal protein 290; minus strand). Cytogenetic location: 12q21.32.
Variant type: single nucleotide variant.
Coding change: c.5881C>T on transcript NM_025114.4 (MANE Select); coding-DNA position 5881, C replaced by T.
Protein change: p.Gln1961Ter; replaces glutamine 1961 with a stop codon.
Molecular consequence: nonsense.
Genome position (GRCh38, 1-based): chr12:88,071,424, G>A on the plus strand (C>T on the coding strand, the complement: CEP290 is on the minus strand). VCF-style: chr12-88071424-G-A. GRCh37 (hg19) VCF-style: chr12-88465201-G-A.
Other names: short protein forms Q1961*.
Identifiers: ClinVar variation 3575383 (VCV003575383.2).

ClinVar aggregate classification (germline): Pathogenic/Likely pathogenic. Review status: criteria provided, multiple submitters, no conflicts (2 of 4 stars). 2 submissions from 2 submitters: Pathogenic (1); Likely pathogenic (1). Last evaluated 2026-05-13.

Conditions:
Joubert syndrome 5 (JBTS5). Identifiers: Orphanet 2318, MedGen C1857780, MONDO:0012432, OMIM 610188.
Senior-Loken syndrome 6 (SLSN6). Identifiers: Orphanet 3156, MedGen C1857779, MONDO:0012433, OMIM 610189.
Bardet-Biedl syndrome 14 (BBS14). Identifiers: Orphanet 110, MedGen C2673874, MONDO:0014442, OMIM 615991.
Meckel syndrome, type 4 (MKS4). Also called: MECKEL-GRUBER SYNDROME, TYPE 4. Identifiers: Orphanet 564, MedGen C1970161, MONDO:0012626, OMIM 611134.
Leber congenital amaurosis 10 (LCA10). Identifiers: Orphanet 65, MedGen C1857821, MONDO:0012723, OMIM 611755.
CEP290-related ciliopathy. Also called: CEP290 ciliopathy. Identifiers: MedGen CN305601, MONDO:0100451.

gnomAD v4.1: 1 of 1,609,208 alleles (0.000062%); highest among the groups gnomAD compares: South Asian, 0.0011%; no homozygotes.

Submissions (2):

Myriad Genetics, Inc.
Classification: Pathogenic for CEP290-related ciliopathy. Last evaluated: 2026-05-13. Review status: criteria provided, single submitter. Criteria: Myriad Autosomal Dominant, Autosomal Recessive and X-Linked Classification Criteria (2023). Collection method: clinical testing. Allele origin: unknown.
Comment: NM_025114.3(CEP290):c.5881C>T(Q1961*) is expected to be pathogenic in the context of CEP290-related disorders. This variant is predicted to lead to an abnormal or absent protein product due to the creation of a premature termination codon in CEP290, a gene where loss-of-function variants are known to be pathogenic. Please note: this variant was assessed in the context of healthy population screening.

Fulgent Genetics
Classification: Likely pathogenic for Joubert syndrome 5; Senior-Loken syndrome 6; Meckel syndrome, type 4; Leber congenital amaurosis 10; Bardet-Biedl syndrome 14. Last evaluated: 2024-03-01. Review status: criteria provided, single submitter. Criteria: ACMG Guidelines, 2015. Collection method: clinical testing. Allele origin: germline.